The following is an entry in ClinVar:

NM_198535.3(ZNF699):c.1539T>C (p.Ile513=)

Gene: ZNF699 (zinc finger protein 699; minus strand). Cytogenetic location: 19p13.2.
Variant type: single nucleotide variant.
Coding change: c.1539T>C on transcript NM_198535.3 (MANE Select); coding-DNA position 1539, T replaced by C.
Protein change: p.Ile513=; no amino-acid change (isoleucine 513 retained).
Molecular consequence: synonymous variant.
Genome position (GRCh38, 1-based): chr19:9,295,865, A>G on the plus strand (T>C on the coding strand, the complement: ZNF699 is on the minus strand). VCF-style: chr19-9295865-A-G. GRCh37 (hg19) VCF-style: chr19-9406541-A-G.
Identifiers: ClinVar variation 4084449 (VCV004084449.8).

ClinVar aggregate classification (germline): Likely benign (1 of 4 stars; one submission).

gnomAD v4.1: 167 of 1,613,754 alleles (0.01%); highest among the groups gnomAD compares: African/African-American, 0.21%; no homozygotes.

Submission:

CeGaT Center for Human Genetics Tuebingen
Classification: Likely benign. Last evaluated: 2025-07-01. Review status: criteria provided, single submitter. Criteria: CeGaT Center For Human Genetics Tuebingen Variant Classification Criteria Version 2. Collection method: clinical testing. Allele origin: germline. Affected: yes. Observed: 1 variant allele.
Comment: ZNF699: BP4, BP7